The following is an entry in ClinVar:

NM_152641.4(ARID2):c.4094A>G (p.Asp1365Gly)

Gene: ARID2 (AT-rich interaction domain 2; plus strand). Cytogenetic location: 12q12.
Variant type: single nucleotide variant.
Coding change: c.4094A>G on transcript NM_152641.4 (MANE Select); coding-DNA position 4094, A replaced by G.
Protein change: p.Asp1365Gly; replaces aspartic acid 1365 with glycine.
Molecular consequence: missense variant.
Genome position (GRCh38, 1-based): chr12:45,852,217, A>G. VCF-style: chr12-45852217-A-G. GRCh37 (hg19) VCF-style: chr12-46246000-A-G.
Other names: c.4094A>G, p.Asp1365Gly (NM_001347839.2); short protein forms D1365G.
Identifiers: ClinVar variation 2642916 (VCV002642916.24), dbSNP rs769337847, ClinGen allele CA6526582.

ClinVar aggregate classification (germline): Likely benign (1 of 4 stars; one submission).

Allele frequency attached by ClinVar (database versions not stated): ExAC 0.00001.
gnomAD v4.1: 1 of 1,614,140 alleles (0.000062%); highest among the groups gnomAD compares: South Asian, 0.0011%; no homozygotes.

Submission:

CeGaT Center for Human Genetics Tuebingen
Classification: Likely benign. Last evaluated: 2022-03-01. Review status: criteria provided, single submitter. Criteria: CeGaT Center For Human Genetics Tuebingen Variant Classification Criteria Version 2. Collection method: clinical testing. Allele origin: germline. Affected: yes. Observed: 1 variant allele.
Comment: ARID2: BS2